The following is an entry in ClinVar:

NM_001330736.2(ZNF518A):c.2010C>T (p.Ser670=)

Gene: ZNF518A (zinc finger protein 518A; plus strand). Cytogenetic location: 10q24.1.
Variant type: single nucleotide variant.
Coding change: c.2010C>T on transcript NM_001330736.2 (MANE Select); coding-DNA position 2010, C replaced by T.
Protein change: p.Ser670=; no amino-acid change (serine 670 retained).
Molecular consequence: synonymous variant.
Genome position (GRCh38, 1-based): chr10:96,158,332, C>T. VCF-style: chr10-96158332-C-T. GRCh37 (hg19) VCF-style: chr10-97918089-C-T.
Other names: c.2010C>T, p.Ser670= (NM_001330734.1, NM_001330735.1, NM_001330737.1 and 6 more transcripts); c.420C>T, p.Ser140= (NM_001278526.2).
Identifiers: ClinVar variation 2640725 (VCV002640725.25), dbSNP rs373035136, ClinGen allele CA5622715.

ClinVar aggregate classification (germline): Likely benign. Review status: criteria provided, multiple submitters, no conflicts (2 of 4 stars). 2 submissions from 2 submitters: Likely benign (2). Last evaluated 2022-05-01.

Allele frequency attached by ClinVar (database versions not stated): ExAC 0.00003; gnomAD 0.00003; gnomAD exomes 0.00003; TOPMed 0.00003; ESP Exome Variant Server 0.00008; 1000 Genomes Project 30x 0.00016.
gnomAD v4.1: 57 of 1,613,692 alleles (0.0035%); highest among the groups gnomAD compares: Middle Eastern, 0.033%; no homozygotes.

Submissions (2):

CeGaT Center for Human Genetics Tuebingen
Classification: Likely benign. Last evaluated: 2022-05-01. Review status: criteria provided, single submitter. Criteria: CeGaT Center For Human Genetics Tuebingen Variant Classification Criteria Version 2. Collection method: clinical testing. Allele origin: germline. Affected: yes. Observed: 1 variant allele.
Comment: ZNF518A: BP4, BP7

Breakthrough Genomics
Classification: Likely benign. Review status: criteria provided, single submitter. Criteria: ACMG Guidelines, 2015. Collection method: not provided. Allele origin: germline. Inheritance: Unknown mechanism. Affected: yes.